The following is an entry in ClinVar:

ClinVar aggregate classification (germline): Uncertain significance (1 of 4 stars; one submission).

Conditions:
Congenital contractural arachnodactyly (CCA). Also called: BEALS SYNDROME; Beals-Hecht syndrome; Arthrogryposis, distal, type 9. Identifiers: Orphanet 115, MedGen C0220668, MONDO:0007363, OMIM 121050.

Allele frequency attached by ClinVar (database versions not stated): gnomAD exomes below 0.00001; ExAC 0.00001.
gnomAD v4.1: 1 of 1,614,022 alleles (0.000062%); highest among the groups gnomAD compares: Non-Finnish European, 0.000085%; no homozygotes.

Submission:

Labcorp Genetics (formerly Invitae), Labcorp
Classification: Uncertain significance for Congenital contractural arachnodactyly. Last evaluated: 2023-08-10. Review status: criteria provided, single submitter. Criteria: Invitae Variant Classification Sherloc (09022015). Collection method: clinical testing. Allele origin: germline.
Comment: This variant is not present in population databases (gnomAD no frequency). In summary, the available evidence is currently insufficient to determine the role of this variant in disease. Therefore, it has been classified as a Variant of Uncertain Significance. Variants that disrupt the consensus splice site are a relatively common cause of aberrant splicing (PMID: 17576681, 9536098). Algorithms developed to predict the effect of sequence changes on RNA splicing suggest that this variant may disrupt the consensus splice site. ClinVar contains an entry for this variant (Variation ID: 660919). This variant has not been reported in the literature in individuals affected with FBN2-related conditions. This sequence change falls in intron 44 of the FBN2 gene. It does not directly change the encoded amino acid sequence of the FBN2 protein. It affects a nucleotide within the consensus splice site.

Literature cited by the submitters: PubMed 17576681; PubMed 9536098.

NM_001999.4(FBN2):c.5674+4A>G

Gene: FBN2 (fibrillin 2; minus strand). Cytogenetic location: 5q23.3.
Variant type: single nucleotide variant.
Coding change: c.5674+4A>G on transcript NM_001999.4 (MANE Select); 4 bases into the intron after coding-DNA position 5674, A replaced by G.
Molecular consequence: intron variant.
Genome position (GRCh38, 1-based): chr5:128,305,507, T>C on the plus strand (A>G on the coding strand, the complement: FBN2 is on the minus strand). VCF-style: chr5-128305507-T-C. GRCh37 (hg19) VCF-style: chr5-127641199-T-C.
Identifiers: ClinVar variation 660919 (VCV000660919.7), dbSNP rs778011355, ClinGen allele CA3394644.